The following is an entry in ClinVar:

ClinVar aggregate classification (germline): Uncertain significance. Review status: criteria provided, multiple submitters, no conflicts (2 of 4 stars). 2 submissions from 2 submitters: Uncertain significance (2). Last evaluated 2024-12-09.

Conditions:
Combined oxidative phosphorylation deficiency 44. Also called: FASTKD2-Related Combined Oxidative Phosphorylation Deficiency. Identifiers: MedGen C5394293, MONDO:0030020, OMIM 618855.

Allele frequency attached by ClinVar (database versions not stated): ExAC 0.00002; gnomAD exomes 0.00002.
gnomAD v4.1: 31 of 1,613,782 alleles (0.0019%); highest among the groups gnomAD compares: Middle Eastern, 0.017%; no homozygotes.

Submissions (2):

Labcorp Genetics (formerly Invitae), Labcorp
Classification: Uncertain significance. Last evaluated: 2024-12-09. Review status: criteria provided, single submitter. Criteria: Invitae Variant Classification Sherloc (09022015). Collection method: clinical testing. Allele origin: germline.
Comment: This sequence change replaces alanine, which is neutral and non-polar, with valine, which is neutral and non-polar, at codon 21 of the FASTKD2 protein (p.Ala21Val). This variant is present in population databases (rs549677418, gnomAD 0.007%). This variant has not been reported in the literature in individuals affected with FASTKD2-related conditions. ClinVar contains an entry for this variant (Variation ID: 1483179). An algorithm developed to predict the effect of missense changes on protein structure and function (PolyPhen-2) suggests that this variant is likely to be disruptive. In summary, the available evidence is currently insufficient to determine the role of this variant in disease. Therefore, it has been classified as a Variant of Uncertain Significance.

Fulgent Genetics
Classification: Uncertain significance for Combined oxidative phosphorylation deficiency 44. Last evaluated: 2021-07-07. Review status: criteria provided, single submitter. Criteria: ACMG Guidelines, 2015. Collection method: clinical testing. Allele origin: unknown.

NM_001136193.2(FASTKD2):c.62C>T (p.Ala21Val)

Gene: FASTKD2 (FAST kinase domains 2; plus strand). Cytogenetic location: 2q33.3.
Variant type: single nucleotide variant.
Coding change: c.62C>T on transcript NM_001136193.2 (MANE Select); coding-DNA position 62, C replaced by T.
Protein change: p.Ala21Val; replaces alanine 21 with valine.
Molecular consequence: missense variant.
Genome position (GRCh38, 1-based): chr2:206,766,755, C>T. VCF-style: chr2-206766755-C-T. GRCh37 (hg19) VCF-style: chr2-207631479-C-T.
Other names: c.62C>T, p.Ala21Val (NM_001136194.2, NM_014929.4); short protein forms A21V.
Identifiers: ClinVar variation 1483179 (VCV001483179.7), dbSNP rs549677418, ClinGen allele CA2074819.